The following is an entry in ClinVar:

NM_000202.8(IDS):c.1424G>A (p.Trp475Ter)

Gene: IDS (iduronate 2-sulfatase; minus strand). Cytogenetic location: Xq28.
Variant type: single nucleotide variant.
Coding change: c.1424G>A on transcript NM_000202.8 (MANE Select); coding-DNA position 1424, G replaced by A.
Protein change: p.Trp475Ter; replaces tryptophan 475 with a stop codon.
Molecular consequence: nonsense.
Genome position (GRCh38, 1-based): chrX:149,482,975, C>T on the plus strand (G>A on the coding strand, the complement: IDS is on the minus strand). VCF-style: chrX-149482975-C-T. GRCh37 (hg19) VCF-style: chrX-148564506-C-T.
Other names: c.1154G>A, p.Trp385Ter (NM_001166550.4); short protein forms W385*, W475*.
Identifiers: ClinVar variation 3256054 (VCV003256054.2).

ClinVar aggregate classification (germline): Pathogenic (1 of 4 stars; one submission).

Conditions:
Mucopolysaccharidosis, MPS-II (MPS2). Also called: Hunter Syndrome; IDURONATE 2-SULFATASE DEFICIENCY; Mucopolysaccharidosis Type II; Mucopolysaccharidosis type 2; Attenuated MPS (subtype; formerly known as mild MPS II); Severe MPS II. Identifiers: Orphanet 580, Orphanet 79388, MedGen C0026705, MONDO:0010674, OMIM 309900.

Submission:

Laboratory of Diagnosis and Therapy of Lysosomal Disorders, University of Padova
Classification: Pathogenic for Mucopolysaccharidosis, MPS-II. Last evaluated: 2024-06-07. Review status: criteria provided, single submitter. Criteria: ACMG Guidelines, 2015. Collection method: literature only. Allele origin: germline. Affected: yes. Observed: 1 variant allele.
Comment: Null variant (PVS1_Strong), Absent from controls (or at low frequency) in gnomAD database (PM2_Moderate), Patient’s phenotype or family history highly specific for the disease (PP4_Strong)

Classification method: ACMG Guidelines [PMID:25741868] with modifications

Literature cited by the submitters: PubMed 35005816.